The following is an entry in ClinVar:

ClinVar aggregate classification (germline): Uncertain significance (1 of 4 stars; one submission).

Allele frequency attached by ClinVar (database versions not stated): TOPMed below 0.00001; gnomAD 0.00001.
gnomAD v4.1: 1 of 1,614,036 alleles (0.000062%); highest among the groups gnomAD compares: East Asian, 0.0022%; no homozygotes.

Submission:

Labcorp Genetics (formerly Invitae), Labcorp
Classification: Uncertain significance. Last evaluated: 2022-08-16. Review status: criteria provided, single submitter. Criteria: Invitae Variant Classification Sherloc (09022015). Collection method: clinical testing. Allele origin: germline.
Comment: In summary, the available evidence is currently insufficient to determine the role of this variant in disease. Therefore, it has been classified as a Variant of Uncertain Significance. Advanced modeling of protein sequence and biophysical properties (such as structural, functional, and spatial information, amino acid conservation, physicochemical variation, residue mobility, and thermodynamic stability) performed at Invitae indicates that this missense variant is not expected to disrupt CNGA3 protein function. ClinVar contains an entry for this variant (Variation ID: 1524129). This variant has not been reported in the literature in individuals affected with CNGA3-related conditions. This variant is not present in population databases (gnomAD no frequency). This sequence change replaces histidine, which is basic and polar, with arginine, which is basic and polar, at codon 89 of the CNGA3 protein (p.His89Arg).

NM_001298.3(CNGA3):c.266A>G (p.His89Arg)

Gene: CNGA3 (cyclic nucleotide gated channel subunit alpha 3; plus strand). Cytogenetic location: 2q11.2.
Variant type: single nucleotide variant.
Coding change: c.266A>G on transcript NM_001298.3 (MANE Select); coding-DNA position 266, A replaced by G.
Protein change: p.His89Arg; replaces histidine 89 with arginine.
Molecular consequence: missense variant.
Genome position (GRCh38, 1-based): chr2:98,380,225, A>G. VCF-style: chr2-98380225-A-G. GRCh37 (hg19) VCF-style: chr2-98996688-A-G.
Other names: c.266A>G, p.His89Arg (NM_001079878.2); short protein forms H89R.
Identifiers: ClinVar variation 1524129 (VCV001524129.8), dbSNP rs775253368, ClinGen allele CA347830988.
Genomic context (GRCh38, chr2:98,380,225, plus strand): 5'-CACCTTCCAGGCTGTCGCGCCTCATCTTCTTGCTGCGCAGGTGGGCTGCCAGGCATGTGC[A>G]CCACCAGGACCAGGGACCGGACTCTTTTCCTGATCGTTTCCGTGGAGCCGAGCTTAAGGA-3'
Protein context (NP_001289.1, residues 79-99): LLRRWAARHV[His89Arg]HQDQGPDSFP